The following is an entry in ClinVar:

NM_006431.3(CCT2):c.751A>T (p.Ile251Leu)

Gene: CCT2 (chaperonin containing TCP1 subunit 2; plus strand). Cytogenetic location: 12q15.
Variant type: single nucleotide variant.
Coding change: c.751A>T on transcript NM_006431.3 (MANE Select); coding-DNA position 751, A replaced by T.
Protein change: p.Ile251Leu; replaces isoleucine 251 with leucine.
Molecular consequence: missense variant.
Genome position (GRCh38, 1-based): chr12:69,592,976, A>T. VCF-style: chr12-69592976-A-T. GRCh37 (hg19) VCF-style: chr12-69986756-A-T.
Other names: c.751A>T (NM_006431.2); c.610A>T, p.Ile204Leu (NM_001198842.2); short protein forms I251L, I204L.
Identifiers: ClinVar variation 1898006 (VCV001898006.6), dbSNP rs764273247, ClinGen allele CA6680678.

ClinVar aggregate classification (germline): Uncertain significance. Review status: criteria provided, multiple submitters, no conflicts (2 of 4 stars). 2 submissions from 2 submitters: Uncertain significance (2). Last evaluated 2026-01-26.

Allele frequency attached by ClinVar (database versions not stated): ExAC 0.00001; gnomAD 0.00001; gnomAD exomes 0.00001; TOPMed 0.00001.

Submissions (2):

Labcorp Genetics (formerly Invitae), Labcorp
Classification: Uncertain significance. Last evaluated: 2026-01-26. Review status: criteria provided, single submitter. Criteria: Invitae Variant Classification Sherloc (09022015). Collection method: clinical testing. Allele origin: germline.
Comment: This sequence change replaces isoleucine, which is neutral and non-polar, with leucine, which is neutral and non-polar, at codon 251 of the CCT2 protein (p.Ile251Leu). This variant is present in population databases (rs764273247, gnomAD 0.02%). This variant has not been reported in the literature in individuals affected with CCT2-related conditions. ClinVar contains an entry for this variant (Variation ID: 1898006). An algorithm developed to predict the effect of missense changes on protein structure and function (PolyPhen-2) suggests that this variant is likely to be tolerated. Algorithms developed to predict the effect of sequence changes on RNA splicing suggest that this variant may disrupt the consensus splice site. In summary, the available evidence is currently insufficient to determine the role of this variant in disease. Therefore, it has been classified as a Variant of Uncertain Significance.

Ambry Genetics
Classification: Uncertain significance. Last evaluated: 2024-03-18. Review status: criteria provided, single submitter. Criteria: Ambry Variant Classification Scheme 2023. Collection method: clinical testing. Allele origin: germline.